The following is an entry in ClinVar:

ClinVar aggregate classification (germline): Uncertain significance (1 of 4 stars; one submission).

Submission:

Dasa
Classification: Uncertain significance. Last evaluated: 2026-04-22. Review status: criteria provided, single submitter. Criteria: DASA Assertion Criteria. Collection method: clinical testing. Allele origin: germline.
Comment: NM_000421.5(KRT10):c.22_24delinsGGT (p.Ser8Gly) is an in-frame insertion/deletion-insertion predicted to alter the protein sequence without shifting the reading frame. This variant is absent from population databases. The currently available literature and clinical evidence are not sufficient to establish a definitive association between this variant and the reported condition. Therefore, this variant is classified as a variant of uncertain significance.

NM_000421.5(KRT10):c.22_24delinsGGT (p.Ser8Gly)

Genes: KRT10 (keratin 10; minus strand), KRT10-AS1 (KRT10 antisense RNA 1; plus strand). Cytogenetic location: 17q21.2.
Variant type: Indel.
Coding change: c.22_24delinsGGT on transcript NM_000421.5 (MANE Select); coding-DNA positions 22 to 24, AGC replaced by GGT.
Protein change: p.Ser8Gly; replaces serine 8 with glycine.
Molecular consequence: missense variant.
Genome position (GRCh38, 1-based): chr17:40,822,562-40,822,564, GCT replaced by ACC on the plus strand (AGC replaced by GGT on the coding strand, the reverse complement: KRT10 is on the minus strand). VCF-style: chr17-40822562-GCT-ACC. GRCh37 (hg19) VCF-style: chr17-38978814-GCT-ACC.
Other names: c.22_24delinsGGT, p.Ser8Gly (NM_001379366.1); short protein forms S8G.
Identifiers: ClinVar variation 4886341 (VCV004886341.2).